The following is an entry in ClinVar:

NM_001352754.2(ARMC9):c.1171A>G (p.Met391Val)

Gene: ARMC9 (armadillo repeat containing 9; plus strand). Cytogenetic location: 2q37.1.
Variant type: single nucleotide variant.
Coding change: c.1171A>G on transcript NM_001352754.2 (MANE Select); coding-DNA position 1171, A replaced by G.
Protein change: p.Met391Val; replaces methionine 391 with valine.
Molecular consequence: missense variant. On other transcripts: non-coding transcript variant (1).
Genome position (GRCh38, 1-based): chr2:231,271,033, A>G. VCF-style: chr2-231271033-A-G. GRCh37 (hg19) VCF-style: chr2-232135746-A-G.
Other names: c.1171A>G, p.Met391Val (NM_001271466.4, NM_001291656.2, NM_001352755.2 and 3 more transcripts); c.1072A>G, p.Met358Val (NM_001352757.2, NM_001352758.2); short protein forms M358V, M391V.
Identifiers: ClinVar variation 2134916 (VCV002134916.4), dbSNP rs755305213, ClinGen allele CA2160220.

ClinVar aggregate classification (germline): Uncertain significance (1 of 4 stars; one submission).

Allele frequency attached by ClinVar (database versions not stated): TOPMed below 0.00001; gnomAD exomes 0.00001; ExAC 0.00002.
gnomAD v4.1: 17 of 1,614,174 alleles (0.0011%); highest among the groups gnomAD compares: South Asian, 0.014%; 1 homozygote.

Submission:

Labcorp Genetics (formerly Invitae), Labcorp
Classification: Uncertain significance. Last evaluated: 2022-06-23. Review status: criteria provided, single submitter. Criteria: Invitae Variant Classification Sherloc (09022015). Collection method: clinical testing. Allele origin: germline.
Comment: In summary, the available evidence is currently insufficient to determine the role of this variant in disease. Therefore, it has been classified as a Variant of Uncertain Significance. Experimental studies and prediction algorithms are not available or were not evaluated, and the functional significance of this variant is currently unknown. This variant has not been reported in the literature in individuals affected with ARMC9-related conditions. This variant is present in population databases (rs755305213, gnomAD 0.01%). This sequence change replaces methionine, which is neutral and non-polar, with valine, which is neutral and non-polar, at codon 391 of the ARMC9 protein (p.Met391Val).